The following is an entry in ClinVar:

ClinVar aggregate classification (germline): Pathogenic. Review status: criteria provided, multiple submitters, no conflicts (2 of 4 stars). 5 submissions from 5 submitters: Pathogenic (5). Last evaluated 2024-03-07.

Conditions:
Hereditary cancer-predisposing syndrome. Also called: Hereditary neoplastic syndrome; Neoplastic Syndromes, Hereditary; Tumor predisposition; Hereditary Cancer Syndrome. Identifiers: Orphanet 140162, MedGen C0027672, MeSH D009386, MONDO:0015356.
Hereditary diffuse gastric adenocarcinoma (HDGC). Also called: DIFFUSE GASTRIC AND LOBULAR BREAST CANCER SYNDROME. Identifiers: Orphanet 26106, MedGen C1708349, MONDO:0007648, OMIM 137215.

Submissions (5):

Labcorp Genetics (formerly Invitae), Labcorp
Classification: Pathogenic for Hereditary diffuse gastric adenocarcinoma. Last evaluated: 2024-03-07. Review status: criteria provided, single submitter. Criteria: Invitae Variant Classification Sherloc (09022015). Collection method: clinical testing. Allele origin: germline.
Comment: This sequence change creates a premature translational stop signal (p.Trp526*) in the CDH1 gene. It is expected to result in an absent or disrupted protein product. Loss-of-function variants in CDH1 are known to be pathogenic (PMID: 15235021, 20373070). This variant is not present in population databases (gnomAD no frequency). This premature translational stop signal has been observed in individual(s) with CDH1-related conditions (PMID: 30466290). ClinVar contains an entry for this variant (Variation ID: 1196343). Algorithms developed to predict the effect of sequence changes on RNA splicing suggest that this variant may disrupt the consensus splice site. For these reasons, this variant has been classified as Pathogenic.

Myriad Genetics, Inc.
Classification: Pathogenic for Hereditary diffuse gastric adenocarcinoma. Last evaluated: 2023-06-14. Review status: criteria provided, single submitter. Criteria: Myriad Autosomal Dominant, Autosomal Recessive and X-Linked Classification Criteria (2023). Collection method: clinical testing. Allele origin: unknown.
Comment: This variant is considered pathogenic. This variant creates a termination codon and is predicted to result in premature protein truncation.

Ambry Genetics
Classification: Pathogenic for Hereditary cancer-predisposing syndrome. Last evaluated: 2022-12-27. Review status: criteria provided, single submitter. Criteria: Ambry Variant Classification Scheme 2023. Collection method: clinical testing. Allele origin: germline.
Comment: The p.W526* pathogenic mutation (also known as c.1577G>A), located in coding exon 11 of the CDH1 gene, results from a G to A substitution at nucleotide position 1577. This changes the amino acid from a tryptophan to a stop codon within coding exon 11. This alteration is expected to result in loss of function by premature protein truncation or nonsense-mediated mRNA decay. As such, this alteration is interpreted as a disease-causing mutation.

European Reference Network on Genetic Tumour Risk Syndromes (ERN-GENTURIS), i3s - Instituto de Investigação e Inovação em Saúde, University of Porto
Classification: Pathogenic for Hereditary diffuse gastric adenocarcinoma. Last evaluated: 2022-08-01. Review status: criteria provided, single submitter. Criteria: Lee et al. (Hum Mutat. 2018). Collection method: clinical testing. Allele origin: germline. Inheritance: Autosomal dominant inheritance. Affected: yes. Study: ERN GENTURIS.
Comment: PVS1; PS4_Moderate; PM2 (PMID: 30311375)

GeneDx
Classification: Pathogenic. Last evaluated: 2020-03-02. Review status: criteria provided, single submitter. Criteria: GeneDx Variant Classification Process June 2021. Collection method: clinical testing. Allele origin: germline. Affected: yes.
Comment: Nonsense variant predicted to result in protein truncation or nonsense mediated decay in a gene for which loss-of-function is a known mechanism of disease; Not observed in large population cohorts (Lek 2016); This variant is associated with the following publications: (PMID: 30466290)

Literature cited by the submitters: PubMed 15235021 (cited by Labcorp Genetics (formerly Invitae), Labcorp); PubMed 20373070 (cited by Labcorp Genetics (formerly Invitae), Labcorp); PubMed 30466290 (cited by Labcorp Genetics (formerly Invitae), Labcorp); PubMed 36436516 (cited by European Reference Network on Genetic Tumour Risk Syndromes (ERN-GENTURIS), i3s - Instituto de Investigação e Inovação em Saúde, University of Porto).

NM_004360.5(CDH1):c.1577G>A (p.Trp526Ter)

Gene: CDH1 (cadherin 1; plus strand). Cytogenetic location: 16q22.1.
Variant type: single nucleotide variant.
Coding change: c.1577G>A on transcript NM_004360.5 (MANE Select); coding-DNA position 1577, G replaced by A.
Protein change: p.Trp526Ter; replaces tryptophan 526 with a stop codon.
Molecular consequence: nonsense. On other transcripts: intron variant (1).
Genome position (GRCh38, 1-based): chr16:68,819,291, G>A. VCF-style: chr16-68819291-G-A. GRCh37 (hg19) VCF-style: chr16-68853194-G-A.
Other names: c.1577G>A (NM_004360.4); c.1394G>A, p.Trp465Ter (NM_001317184.2); c.29G>A, p.Trp10Ter (NM_001317185.2); c.-254-2710G>A (NM_001317186.2); short protein forms W10*, W465*, W526*.
Identifiers: ClinVar variation 1196343 (VCV001196343.15), dbSNP rs1596960298, ClinGen allele CA396464845.
Genomic context (GRCh38, chr16:68,819,291, plus strand): 5'-ATGTTGTTTGCTGGTCCTATTCTAAAAGCCAGAGCTTGTCCCCGTTCAGATATCGGATTT[G>A]GAGAGACACTGCCAACTGGCTGGAGATTAATCCGGACACTGGTGCCATTTCCACTCGGGC-3'